The following is an entry in ClinVar:

NM_001613.4(ACTA2):c.730T>G (p.Leu244Val)

Genes: ACTA2-AS1 (ACTA2 antisense RNA 1; plus strand), ACTA2 (actin alpha 2, smooth muscle; minus strand). Cytogenetic location: 10q23.31.
Variant type: single nucleotide variant.
Coding change: c.730T>G on transcript NM_001613.4 (MANE Select); coding-DNA position 730, T replaced by G.
Protein change: p.Leu244Val; replaces leucine 244 with valine.
Molecular consequence: missense variant. On other transcripts: non-coding transcript variant (1), intron variant (1).
Genome position (GRCh38, 1-based): chr10:88,939,585, A>C on the plus strand (T>G on the coding strand, the complement: ACTA2 is on the minus strand). VCF-style: chr10-88939585-A-C. GRCh37 (hg19) VCF-style: chr10-90699342-A-C.
Other names: c.730T>G, p.Leu244Val (NM_001406463.1, NM_001320855.2, NM_001406462.1 and 2 more transcripts); c.619T>G, p.Leu207Val (NM_001406466.1); c.601T>G, p.Leu201Val (NM_001406467.1, NM_001406468.1, NM_001406469.1); c.617-1343T>G (NM_001406471.1); short protein forms L244V, L201V, L207V.
Identifiers: ClinVar variation 3720036 (VCV003720036.2).
Genomic context (GRCh38, chr10:88,939,585, plus strand): 5'-ACAGGGTCTCTGGGCAGCGGAAACGTTCATTTCCGATGGTGATCACTTGCCCATCAGGCA[A>C]CTCGTAACTCTTCTCAAGGGAGGATGAGGATGCGGCAGTGGCCATCTCATTTTCAAAGTC-3'
Protein context (NP_001604.1, residues 234-254): SSSSLEKSYE[Leu244Val]PDGQVITIGN

ClinVar aggregate classification (germline): Uncertain significance (1 of 4 stars; one submission).

Conditions:
Aortic aneurysm, familial thoracic 6 (AAT6). Also called: FAMILIAL THORACIC AORTIC ANEURYSM WITH LIVEDO RETICULARIS AND IRIS FLOCCULI. Identifiers: MedGen C2673186, MONDO:0012730, OMIM 611788.

Submission:

Labcorp Genetics (formerly Invitae), Labcorp
Classification: Uncertain significance for Aortic aneurysm, familial thoracic 6. Last evaluated: 2025-01-19. Review status: criteria provided, single submitter. Criteria: Invitae Variant Classification Sherloc (09022015). Collection method: clinical testing. Allele origin: germline.
Comment: This sequence change replaces leucine, which is neutral and non-polar, with valine, which is neutral and non-polar, at codon 244 of the ACTA2 protein (p.Leu244Val). This variant is not present in population databases (gnomAD no frequency). This variant has not been reported in the literature in individuals affected with ACTA2-related conditions. Invitae Evidence Modeling of protein sequence and biophysical properties (such as structural, functional, and spatial information, amino acid conservation, physicochemical variation, residue mobility, and thermodynamic stability) indicates that this missense variant is not expected to disrupt ACTA2 protein function with a negative predictive value of 80%. In summary, the available evidence is currently insufficient to determine the role of this variant in disease. Therefore, it has been classified as a Variant of Uncertain Significance.